The following is an entry in ClinVar:

ClinVar aggregate classification (germline): Uncertain significance. Review status: criteria provided, multiple submitters, no conflicts (2 of 4 stars). 3 submissions from 3 submitters: Uncertain significance (3). Last evaluated 2023-03-09.

Conditions:
Malignant hyperthermia, susceptibility to, 1 (MHS1). Also called: Anesthesia related hyperthermia; Malignant hyperpyrexia; Fulminating hyperpyrexia; Pharmacogenic myopathy; Malignant hyperthermia suceptibility 1; RYR1-Related Malignant Hyperthermia Susceptibility. Identifiers: Orphanet 423, MedGen C2930980, MONDO:0007783, OMIM 145600.
Congenital myopathy with fiber type disproportion. Also called: Congenital fiber-type disproportion; Congenital fiber-type disproportion myopathy. Identifiers: Orphanet 2020, MedGen C0546264, MONDO:0009711. Inheritance: all.
Central core myopathy (CMYO1A). Also called: CONGENITAL MYOPATHY 1A, AUTOSOMAL DOMINANT, WITH SUSCEPTIBILITY TO MALIGNANT HYPERTHERMIA; Central core disease; Myopathy, central fibrillar. Identifiers: Orphanet 597, MedGen C5830701, MONDO:0007294, OMIM 117000.
Congenital multicore myopathy with external ophthalmoplegia (CMYO1B). Also called: Congenital myopathy 1B, autosomal recessive; Minicore myopathy; MULTICORE MYOPATHY; Minicore myopathy with external ophthalmoplegia; MULTIMINICORE DISEASE WITH EXTERNAL OPHTHALMOPLEGIA. Identifiers: Orphanet 598, Orphanet 98905, MedGen C1850674, MONDO:0009712, OMIM 255320, HP:0003789.
King Denborough syndrome (KDS). Identifiers: MedGen C1840365, MONDO:0020485, OMIM 619542.
RYR1-related disorder. Also called: RYR1-related disorders; RYR1-related condition. Identifiers: MedGen CN239331.

Allele frequency attached by ClinVar (database versions not stated): TOPMed below 0.00001; gnomAD 0.00001; gnomAD exomes 0.00001.
gnomAD v4.1: 9 of 1,612,486 alleles (0.00056%); highest among the groups gnomAD compares: African/African-American, 0.0013%; no homozygotes.

Submissions (3):

All of Us Research Program, National Institutes of Health
Classification: Uncertain significance for Malignant hyperthermia, susceptibility to, 1. Last evaluated: 2023-03-09. Review status: criteria provided, single submitter. Criteria: ACMG Guidelines, 2015. Collection method: clinical testing. Allele origin: germline. Inheritance: Autosomal dominant inheritance. Observed: 1 variant allele, 1 heterozygote.
Comment: This missense variant replaces glutamic acid with lysine at codon 3440 of the RYR1 protein. Computational prediction suggests that this variant may have deleterious impact on protein structure and function (internally defined REVEL score threshold >= 0.7, PMID: 27666373). To our knowledge, functional studies have not been reported for this variant. This variant has not been reported in individuals affected with RYR1-related disorders in the literature. This variant has not been identified in the general population by the Genome Aggregation Database (gnomAD). The available evidence is insufficient to determine the role of this variant in disease conclusively. Therefore, this variant is classified as a Variant of Uncertain Significance.

This study involves interpretation of variants in research participants for the purpose of population health screening. Participant phenotype was not available at the time of variant classification. Additional details can be found in publication PMID: 35346344, PMCID: PMC8962531

Labcorp Genetics (formerly Invitae), Labcorp
Classification: Uncertain significance for RYR1-related disorder. Last evaluated: 2022-07-19. Review status: criteria provided, single submitter. Criteria: Invitae Variant Classification Sherloc (09022015). Collection method: clinical testing. Allele origin: germline.
Comment: This sequence change replaces glutamic acid, which is acidic and polar, with lysine, which is basic and polar, at codon 3440 of the RYR1 protein (p.Glu3440Lys). This variant is not present in population databases (gnomAD no frequency). This variant has not been reported in the literature in individuals affected with RYR1-related conditions. ClinVar contains an entry for this variant (Variation ID: 1398137). Advanced modeling of protein sequence and biophysical properties (such as structural, functional, and spatial information, amino acid conservation, physicochemical variation, residue mobility, and thermodynamic stability) performed at Invitae indicates that this missense variant is expected to disrupt RYR1 protein function. In summary, the available evidence is currently insufficient to determine the role of this variant in disease. Therefore, it has been classified as a Variant of Uncertain Significance.

Fulgent Genetics
Classification: Uncertain significance for Central core myopathy; Malignant hyperthermia, susceptibility to, 1; Congenital myopathy 4A, autosomal dominant; Congenital multicore myopathy with external ophthalmoplegia; King Denborough syndrome. Last evaluated: 2021-08-13. Review status: criteria provided, single submitter. Criteria: ACMG Guidelines, 2015. Collection method: clinical testing. Allele origin: unknown.

NM_000540.3(RYR1):c.10318G>A (p.Glu3440Lys)

Gene: RYR1 (ryanodine receptor 1; plus strand). Cytogenetic location: 19q13.2.
Variant type: single nucleotide variant.
Coding change: c.10318G>A on transcript NM_000540.3 (MANE Select); coding-DNA position 10318, G replaced by A.
Protein change: p.Glu3440Lys; replaces glutamic acid 3440 with lysine.
Molecular consequence: missense variant.
Genome position (GRCh38, 1-based): chr19:38,523,086, G>A. VCF-style: chr19-38523086-G-A. GRCh37 (hg19) VCF-style: chr19-39013726-G-A.
Other names: c.10318G>A, p.Glu3440Lys (NM_001042723.2); short protein forms E3440K.
Identifiers: ClinVar variation 1398137 (VCV001398137.7), dbSNP rs1971294742, ClinGen allele CA405698866.